The following is an entry in ClinVar:

ClinVar aggregate classification (germline): Uncertain significance (1 of 4 stars; one submission).

Conditions:
MYOT-related disorder. Also called: MYOT-related condition.

Submission:

PreventionGenetics, part of Exact Sciences
Classification: Uncertain significance for MYOT-related condition. Last evaluated: 2023-08-26. Review status: criteria provided, single submitter. Criteria: ACMG Guidelines, 2015. Collection method: clinical testing. Allele origin: germline.
Comment: The MYOT c.1406A>G variant is predicted to result in the amino acid substitution p.Lys469Arg. To our knowledge, this variant has not been reported in the literature or in a large population database, indicating this variant is rare. At this time, the clinical significance of this variant is uncertain due to the absence of conclusive functional and genetic evidence.

NM_006790.3(MYOT):c.1406A>G (p.Lys469Arg)

Genes: MYOT (myotilin; plus strand), PKD2L2-DT (PKD2L2 divergent transcript; minus strand). Cytogenetic location: 5q31.2.
Variant type: single nucleotide variant.
Coding change: c.1406A>G on transcript NM_006790.3 (MANE Select); coding-DNA position 1406, A replaced by G.
Protein change: p.Lys469Arg; replaces lysine 469 with arginine.
Molecular consequence: missense variant.
Genome position (GRCh38, 1-based): chr5:137,887,294, A>G. VCF-style: chr5-137887294-A-G. GRCh37 (hg19) VCF-style: chr5-137222983-A-G.
Other names: c.854A>G, p.Lys285Arg (NM_001135940.2); c.1061A>G, p.Lys354Arg (NM_001300911.2); short protein forms K285R, K354R, K469R.
Identifiers: ClinVar variation 2631086 (VCV002631086.1), dbSNP rs2532026933, ClinGen allele CA361056859.
Genomic context (GRCh38, chr5:137,887,294, plus strand): 5'-CAGCTCCTAAGCAGTTACGGGTTCGACCAACATTCAGCAAATATTTAGCACTTAATGGGA[A>G]AGGTTTGAATGTAAAACAAGCTTTTAACCCAGAAGGAGAATTTCAGCGTTTGGCAGCTCA-3'
Protein context (NP_006781.1, residues 459-479): TFSKYLALNG[Lys469Arg]GLNVKQAFNP